The following is an entry in ClinVar:

ClinVar aggregate classification (germline): Uncertain significance (1 of 4 stars; one submission).

Submission:

GeneDx
Classification: Uncertain significance. Last evaluated: 2024-07-09. Review status: criteria provided, single submitter. Criteria: GeneDx Variant Classification Process June 2021. Collection method: clinical testing. Allele origin: germline. Affected: yes.
Comment: Not observed at significant frequency in large population cohorts (gnomAD); In silico analysis supports that this missense variant has a deleterious effect on protein structure/function; Has not been previously published as pathogenic or benign to our knowledge; This variant is associated with the following publications: (PMID: 25240749)

NM_001854.4(COL11A1):c.4133G>A (p.Gly1378Asp)

Gene: COL11A1 (collagen type XI alpha 1 chain; minus strand). Cytogenetic location: 1p21.1.
Variant type: single nucleotide variant.
Coding change: c.4133G>A on transcript NM_001854.4 (MANE Select); coding-DNA position 4133, G replaced by A.
Protein change: p.Gly1378Asp; replaces glycine 1378 with aspartic acid.
Molecular consequence: missense variant. On other transcripts: non-coding transcript variant (1).
Genome position (GRCh38, 1-based): chr1:102,898,948, C>T on the plus strand (G>A on the coding strand, the complement: COL11A1 is on the minus strand). VCF-style: chr1-102898948-C-T. GRCh37 (hg19) VCF-style: chr1-103364504-C-T.
Other names: c.4016G>A, p.Gly1339Asp (NM_001190709.2); c.4169G>A, p.Gly1390Asp (NM_080629.3); c.3785G>A, p.Gly1262Asp (NM_080630.4); short protein forms G1378D, G1262D, G1339D, G1390D.
Identifiers: ClinVar variation 3572555 (VCV003572555.1).